The following is an entry in ClinVar:

ClinVar aggregate classification (germline): Uncertain significance (1 of 4 stars; one submission).

Conditions:
GAPVD1-related disorder. Also called: GAPVD1-related condition.

Allele frequency attached by ClinVar (database versions not stated): ExAC 0.00001; gnomAD exomes 0.00001; gnomAD 0.00003; TOPMed 0.00003; ESP Exome Variant Server 0.00008.

Submission:

PreventionGenetics, part of Exact Sciences
Classification: Uncertain significance for GAPVD1-related condition. Last evaluated: 2022-12-19. Review status: criteria provided, single submitter. Criteria: ACMG Guidelines, 2015. Collection method: clinical testing. Allele origin: germline.
Comment: The GAPVD1 c.1460G>A variant is predicted to result in the amino acid substitution p.Arg487His. To our knowledge, this variant has not been reported in the literature. This variant is reported in 0.0083% of alleles in individuals of African descent in gnomAD. At this time, the clinical significance of this variant is uncertain due to the absence of conclusive functional and genetic evidence.

NM_001282680.3(GAPVD1):c.1460G>A (p.Arg487His)

Gene: GAPVD1 (GTPase activating protein and VPS9 domains 1; plus strand). Cytogenetic location: 9q33.3.
Variant type: single nucleotide variant.
Coding change: c.1460G>A on transcript NM_001282680.3 (MANE Select); coding-DNA position 1460, G replaced by A.
Protein change: p.Arg487His; replaces arginine 487 with histidine.
Molecular consequence: missense variant. On other transcripts: non-coding transcript variant (2).
Genome position (GRCh38, 1-based): chr9:125,312,470, G>A. VCF-style: chr9-125312470-G-A. GRCh37 (hg19) VCF-style: chr9-128074749-G-A.
Other names: c.1460G>A, p.Arg487His (NM_001282679.2, NM_001282681.3, NM_001330777.3 and 10 more transcripts); short protein forms R487H.
Identifiers: ClinVar variation 2634740 (VCV002634740.1), dbSNP rs374437143, ClinGen allele CA5240195.